The following is an entry in ClinVar:

NM_006070.6(TFG):c.581-24_581-9del

Gene: TFG (trafficking from ER to golgi regulator; plus strand). Cytogenetic location: 3q12.2.
Variant type: Deletion.
Coding change: c.581-24_581-9del on transcript NM_006070.6 (MANE Select); 24 bases into the intron before coding-DNA position 581 through 9 bases into the intron before coding-DNA position 581, 16 bases deleted (ACTGACTTTTTTTTGA).
Molecular consequence: intron variant.
Genome position (GRCh38, 1-based): chr3:100,736,552-100,736,567, ACTGACTTTTTTTTGA deleted; deleting any 16 consecutive bases within chr3:100,736,551-100,736,567 gives the same sequence; the c. name uses the placement nearest the transcript's 3' end. VCF-style (leftmost placement, unchanged base first): chr3-100736550-AAACTGACTTTTTTTTG-A. GRCh37 (hg19) VCF-style: chr3-100455394-AAACTGACTTTTTTTTG-A.
Other names: c.581-24_581-9del (NM_001007565.2, NM_001195479.2, NM_001195478.2).
Identifiers: ClinVar variation 2018688 (VCV002018688.4), dbSNP rs2472119264, ClinGen allele CA2580068546.

ClinVar aggregate classification (germline): Uncertain significance (1 of 4 stars; one submission).

Conditions:
Hereditary motor and sensory neuropathy, Okinawa type (HMSNO). Also called: HEREDITARY MOTOR AND SENSORY NEUROPATHY, PROXIMAL TYPE. Identifiers: Orphanet 90117, MedGen C1858338, MONDO:0011468, OMIM 604484.
Hereditary spastic paraplegia 57. Also called: Spastic paraplegia 57, autosomal recessive. Identifiers: Orphanet 431329, MedGen C3714897, MONDO:0014295, OMIM 615658.

Submission:

Labcorp Genetics (formerly Invitae), Labcorp
Classification: Uncertain significance for Hereditary motor and sensory neuropathy, Okinawa type; Hereditary spastic paraplegia 57. Last evaluated: 2022-07-21. Review status: criteria provided, single submitter. Criteria: Invitae Variant Classification Sherloc (09022015). Collection method: clinical testing. Allele origin: germline.
Comment: This variant has not been reported in the literature in individuals affected with TFG-related conditions. This variant is not present in population databases (gnomAD no frequency). This sequence change falls in intron 5 of the TFG gene. It does not directly change the encoded amino acid sequence of the TFG protein. Algorithms developed to predict the effect of sequence changes on RNA splicing suggest that this variant may disrupt the consensus splice site. In summary, the available evidence is currently insufficient to determine the role of this variant in disease. Therefore, it has been classified as a Variant of Uncertain Significance.